The following is an entry in ClinVar:

ClinVar aggregate classification (germline): Uncertain significance (1 of 4 stars; one submission).

Conditions:
Hereditary cancer-predisposing syndrome. Also called: Hereditary Cancer Syndrome; Hereditary neoplastic syndrome; Neoplastic Syndromes, Hereditary; Tumor predisposition. Identifiers: Orphanet 140162, MedGen C0027672, MeSH D009386, MONDO:0015356.

Submission:

Ambry Genetics
Classification: Uncertain significance for Hereditary cancer-predisposing syndrome. Last evaluated: 2025-05-29. Review status: criteria provided, single submitter. Criteria: Ambry Variant Classification Scheme 2023. Collection method: clinical testing. Allele origin: germline.
Comment: The p.S1044T variant (also known as c.3130T>A), located in coding exon 15 of the APC gene, results from a T to A substitution at nucleotide position 3130. The serine at codon 1044 is replaced by threonine, an amino acid with similar properties. This amino acid position is conserved. In addition, in silico predictors for this gene do not accurately predict pathogenicity. Based on the available evidence, the clinical significance of this variant remains unclear.

NM_000038.6(APC):c.3130T>A (p.Ser1044Thr)

Gene: APC (APC regulator of Wnt signaling pathway; plus strand). Cytogenetic location: 5q22.2.
Variant type: single nucleotide variant.
Coding change: c.3130T>A on transcript NM_000038.6 (MANE Select); coding-DNA position 3130, T replaced by A.
Protein change: p.Ser1044Thr; replaces serine 1044 with threonine.
Molecular consequence: missense variant. On other transcripts: non-coding transcript variant (2).
Genome position (GRCh38, 1-based): chr5:112,838,724, T>A. VCF-style: chr5-112838724-T-A. GRCh37 (hg19) VCF-style: chr5-112174421-T-A.
Other names: c.3130T>A, p.Ser1044Thr (NM_001127510.3, NM_001354895.2, NM_001407450.1); c.3076T>A, p.Ser1026Thr (NM_001127511.3); c.3184T>A, p.Ser1062Thr (NM_001354896.2, NM_001407447.1, NM_001407448.1 and 1 more transcripts); c.3160T>A, p.Ser1054Thr (NM_001354897.2); c.3055T>A, p.Ser1019Thr (NM_001354898.2); c.3046T>A, p.Ser1016Thr (NM_001354899.2); c.3007T>A, p.Ser1003Thr (NM_001354900.2); c.2953T>A, p.Ser985Thr (NM_001354901.2, NM_001407453.1); and 11 more; short protein forms S1037T, S1062T, S884T, S915T, S953T, S985T, S1016T, S1034T.
Identifiers: ClinVar variation 3929683 (VCV003929683.1).
Genomic context (GRCh38, chr5:112,838,724, plus strand): 5'-CCAATAAATTATAGTCTTAAATATTCAGATGAGCAGTTGAACTCTGGAAGGCAAAGTCCT[T>A]CACAGAATGAAAGATGGGCAAGACCCAAACACATAATAGAAGATGAAATAAAACAAAGTG-3'
Protein context (NP_000029.2, residues 1034-1054): EQLNSGRQSP[Ser1044Thr]QNERWARPKH